The following is an entry in ClinVar:

ClinVar aggregate classification (germline): Uncertain significance. Review status: criteria provided, multiple submitters, no conflicts (2 of 4 stars). 2 submissions from 2 submitters: Uncertain significance (2). Last evaluated 2024-10-17.

Conditions:
Dilated cardiomyopathy 1G (CMD1G). Identifiers: Orphanet 154, MedGen C1858763, MONDO:0011400, OMIM 604145.
Autosomal recessive limb-girdle muscular dystrophy type 2J (LGMDR10). Also called: Limb-girdle muscular dystrophy, type 2J; MUSCULAR DYSTROPHY, LIMB-GIRDLE, AUTOSOMAL RECESSIVE 10. Identifiers: Orphanet 140922, MedGen C1837342, MONDO:0012127, OMIM 608807.

Allele frequency attached by ClinVar (database versions not stated): TOPMed 0.00001.

Submissions (2):

Labcorp Genetics (formerly Invitae), Labcorp
Classification: Uncertain significance for Dilated cardiomyopathy 1G; Autosomal recessive limb-girdle muscular dystrophy type 2J. Last evaluated: 2024-10-17. Review status: criteria provided, single submitter. Criteria: Invitae Variant Classification Sherloc (09022015). Collection method: clinical testing. Allele origin: germline.
Comment: This sequence change replaces leucine, which is neutral and non-polar, with serine, which is neutral and polar, at codon 8321 of the TTN protein (p.Leu8321Ser). This variant is not present in population databases (gnomAD no frequency). This missense change has been observed in individual(s) with clinical features of autosomal recessive centronuclear myopathy (internal data). In at least one individual the data is consistent with being in trans (on the opposite chromosome) from a pathogenic variant. ClinVar contains an entry for this variant (Variation ID: 659649). Experimental studies and prediction algorithms are not available or were not evaluated, and the functional significance of this variant is currently unknown. This variant is located in the I band of TTN (PMID: 25589632). Non-truncating variants in this region may be clinically relevant, but have not been definitively shown to cause cardiomyopathy or neuromuscular disease (PMID: 27493940, 32778822). In summary, the available evidence is currently insufficient to determine the role of this variant in disease. Therefore, it has been classified as a Variant of Uncertain Significance.

AiLife Diagnostics
Classification: Uncertain significance. Last evaluated: 2021-11-30. Review status: criteria provided, single submitter. Criteria: ACMG Guidelines, 2015. Collection method: clinical testing. Allele origin: germline. Affected: yes. Observed: 1 variant allele.

Literature cited by the submitters: PubMed 25589632 (cited by Labcorp Genetics (formerly Invitae), Labcorp); PubMed 27493940 (cited by Labcorp Genetics (formerly Invitae), Labcorp); PubMed 32778822 (cited by Labcorp Genetics (formerly Invitae), Labcorp).

NM_001267550.2(TTN):c.24962T>C (p.Leu8321Ser)

Gene: TTN (titin; minus strand). Cytogenetic location: 2q31.2.
Variant type: single nucleotide variant.
Coding change: c.24962T>C on transcript NM_001267550.2 (MANE Select); coding-DNA position 24962, T replaced by C.
Protein change: p.Leu8321Ser; replaces leucine 8321 with serine.
Molecular consequence: missense variant. On other transcripts: intron variant (3).
Genome position (GRCh38, 1-based): chr2:178,718,044, A>G on the plus strand (T>C on the coding strand, the complement: TTN is on the minus strand). VCF-style: chr2-178718044-A-G. GRCh37 (hg19) VCF-style: chr2-179582771-A-G.
Other names: c.24011T>C, p.Leu8004Ser (NM_001256850.1); c.21230T>C, p.Leu7077Ser (NM_133378.4); c.13282+20038T>C (NM_003319.4); c.13858+20038T>C (NM_133437.4); c.13657+20038T>C (NM_133432.3); short protein forms L8004S, L8321S, L7077S.
Identifiers: ClinVar variation 659649 (VCV000659649.10), dbSNP rs1577952583, ClinGen allele CA349491440.